The following is an entry in ClinVar:

ClinVar aggregate classification (germline): Uncertain significance (1 of 4 stars; one submission).

Conditions:
Hereditary pheochromocytoma and paraganglioma. Also called: Hereditary paragangliomas and pheochromocytomas; Hereditary Paraganglioma-Pheochromocytoma Syndromes; Hereditary pheochromocytoma-paraganglioma. Identifiers: Orphanet 29072, MedGen C4274332, MONDO:0017366.

gnomAD v4.1: 1 of 1,613,986 alleles (0.000062%); highest among the groups gnomAD compares: Non-Finnish European, 0.000085%; no homozygotes.

Submission:

Labcorp Genetics (formerly Invitae), Labcorp
Classification: Uncertain significance for Hereditary pheochromocytoma and paraganglioma. Last evaluated: 2024-09-14. Review status: criteria provided, single submitter. Criteria: Invitae Variant Classification Sherloc (09022015). Collection method: clinical testing. Allele origin: germline.
Comment: This sequence change replaces proline, which is neutral and non-polar, with serine, which is neutral and polar, at codon 112 of the SDHAF2 protein (p.Pro112Ser). This variant is not present in population databases (gnomAD no frequency). This variant has not been reported in the literature in individuals affected with SDHAF2-related conditions. An algorithm developed to predict the effect of missense changes on protein structure and function (PolyPhen-2) suggests that this variant is likely to be disruptive. In summary, the available evidence is currently insufficient to determine the role of this variant in disease. Therefore, it has been classified as a Variant of Uncertain Significance.

NM_017841.4(SDHAF2):c.334C>T (p.Pro112Ser)

Gene: SDHAF2 (succinate dehydrogenase complex assembly factor 2; plus strand). Cytogenetic location: 11q12.2.
Variant type: single nucleotide variant.
Coding change: c.334C>T on transcript NM_017841.4 (MANE Select); coding-DNA position 334, C replaced by T.
Protein change: p.Pro112Ser; replaces proline 112 with serine.
Molecular consequence: missense variant.
Genome position (GRCh38, 1-based): chr11:61,438,077, C>T. VCF-style: chr11-61438077-C-T. GRCh37 (hg19) VCF-style: chr11-61205549-C-T.
Other names: short protein forms P112S.
Identifiers: ClinVar variation 3716966 (VCV003716966.2).
Genomic context (GRCh38, chr11:61,438,077, plus strand): 5'-GAACATCTGCAGCACATGACAGAAAAGCAGCTGAACCTCTATGACCGCCTGATTAACGAG[C>T]CTAGTAATGACTGGGATATTTACTACTGGGCCACAGGTACTGGGTATGATAAGCAGCATA-3'
Protein context (NP_060311.1, residues 102-122): LNLYDRLINE[Pro112Ser]SNDWDIYYWA